The following is an entry in ClinVar:

ClinVar aggregate classification (germline): Uncertain significance (1 of 4 stars; one submission).

Allele frequency attached by ClinVar (database versions not stated): TOPMed below 0.00001.
gnomAD v4.1: 1 of 1,605,596 alleles (0.000062%); highest among the groups gnomAD compares: Middle Eastern, 0.017%; no homozygotes.

Submission:

Labcorp Genetics (formerly Invitae), Labcorp
Classification: Uncertain significance. Last evaluated: 2023-11-27. Review status: criteria provided, single submitter. Criteria: Invitae Variant Classification Sherloc (09022015). Collection method: clinical testing. Allele origin: germline.
Comment: This sequence change replaces serine, which is neutral and polar, with asparagine, which is neutral and polar, at codon 2242 of the LAMA5 protein (p.Ser2242Asn). This variant is not present in population databases (gnomAD no frequency). This variant has not been reported in the literature in individuals affected with LAMA5-related conditions. ClinVar contains an entry for this variant (Variation ID: 1930949). Advanced modeling of protein sequence and biophysical properties (such as structural, functional, and spatial information, amino acid conservation, physicochemical variation, residue mobility, and thermodynamic stability) performed at Invitae indicates that this missense variant is not expected to disrupt LAMA5 protein function with a negative predictive value of 80%. In summary, the available evidence is currently insufficient to determine the role of this variant in disease. Therefore, it has been classified as a Variant of Uncertain Significance.

NM_005560.6(LAMA5):c.6725G>A (p.Ser2242Asn)

Gene: LAMA5 (laminin subunit alpha 5; minus strand). Cytogenetic location: 20q13.33.
Variant type: single nucleotide variant.
Coding change: c.6725G>A on transcript NM_005560.6 (MANE Select); coding-DNA position 6725, G replaced by A.
Protein change: p.Ser2242Asn; replaces serine 2242 with asparagine.
Molecular consequence: missense variant.
Genome position (GRCh38, 1-based): chr20:62,320,593, C>T on the plus strand (G>A on the coding strand, the complement: LAMA5 is on the minus strand). VCF-style: chr20-62320593-C-T. GRCh37 (hg19) VCF-style: chr20-60895649-C-T.
Other names: short protein forms S2242N.
Identifiers: ClinVar variation 1930949 (VCV001930949.5), dbSNP rs1987586026, ClinGen allele CA409556616.